The following is an entry in ClinVar:

NM_198239.2(CCN6):c.931A>G (p.Lys311Glu)

Gene: CCN6 (cellular communication network factor 6; plus strand). Cytogenetic location: 6q21.
Variant type: single nucleotide variant.
Coding change: c.931A>G on transcript NM_198239.2 (MANE Select); coding-DNA position 931, A replaced by G.
Protein change: p.Lys311Glu; replaces lysine 311 with glutamic acid.
Molecular consequence: missense variant. On other transcripts: non-coding transcript variant (2).
Genome position (GRCh38, 1-based): chr6:112,069,486, A>G. VCF-style: chr6-112069486-A-G. GRCh37 (hg19) VCF-style: chr6-112390689-A-G.
Other names: c.931A>G, p.Lys311Glu (NM_003880.4); short protein forms K311E.
Identifiers: ClinVar variation 1680475 (VCV001680475.5), dbSNP rs781783002, ClinGen allele CA365376317.

ClinVar aggregate classification (germline): Uncertain significance (1 of 4 stars; one submission).

Allele frequency attached by ClinVar (database versions not stated): TOPMed 0.00001.
gnomAD v4.1: 4 of 1,613,798 alleles (0.00025%); highest among the groups gnomAD compares: Admixed American, 0.0067%; no homozygotes.

Submission:

Labcorp Genetics (formerly Invitae), Labcorp
Classification: Uncertain significance. Last evaluated: 2022-08-16. Review status: criteria provided, single submitter. Criteria: Invitae Variant Classification Sherloc (09022015). Collection method: clinical testing. Allele origin: germline.
Comment: This sequence change replaces lysine, which is basic and polar, with glutamic acid, which is acidic and polar, at codon 311 of the WISP3 protein (p.Lys311Glu). This variant is not present in population databases (gnomAD no frequency). This variant has not been reported in the literature in individuals affected with WISP3-related conditions. ClinVar contains an entry for this variant (Variation ID: 1680475). Algorithms developed to predict the effect of missense changes on protein structure and function are either unavailable or do not agree on the potential impact of this missense change (SIFT: "Tolerated"; PolyPhen-2: "Possibly Damaging"; Align-GVGD: "Class C0"). In summary, the available evidence is currently insufficient to determine the role of this variant in disease. Therefore, it has been classified as a Variant of Uncertain Significance.